The following is an entry in ClinVar:

ClinVar aggregate classification (germline): Pathogenic (1 of 4 stars; one submission).

Conditions:
Myopathy, proximal, and ophthalmoplegia (CMYO6). Also called: MYOPATHY WITH CONGENITAL JOINT CONTRACTURES, OPHTHALMOPLEGIA, AND RIMMED VACUOLES; CONGENITAL MYOPATHY 6 WITH OPHTHALMOPLEGIA; INCLUSION BODY MYOPATHY 3, AUTOSOMAL DOMINANT. Identifiers: Orphanet 363677, Orphanet 79091, MedGen C1854106, MONDO:0011577, OMIM 605637.

Submission:

Labcorp Genetics (formerly Invitae), Labcorp
Classification: Pathogenic for Myopathy, proximal, and ophthalmoplegia. Last evaluated: 2025-04-02. Review status: criteria provided, single submitter. Criteria: Invitae Variant Classification Sherloc (09022015). Collection method: clinical testing. Allele origin: germline.
Comment: This sequence change creates a premature translational stop signal (p.Leu1721Hisfs*9) in the MYH2 gene. It is expected to result in an absent or disrupted protein product. Loss-of-function variants in MYH2 are known to be pathogenic (PMID: 20418530, 23388406, 24193343). This variant is not present in population databases (gnomAD no frequency). This variant has not been reported in the literature in individuals affected with MYH2-related conditions. For these reasons, this variant has been classified as Pathogenic.

Literature cited by the submitters: PubMed 20418530; PubMed 23388406; PubMed 24193343.

NM_017534.6(MYH2):c.5162del (p.Leu1721fs)

Genes: MYH2 (myosin heavy chain 2; minus strand), MYHAS (myosin heavy chain gene cluster antisense RNA; plus strand). Cytogenetic location: 17p13.1.
Variant type: Deletion.
Coding change: c.5162del on transcript NM_017534.6 (MANE Select); coding-DNA position 5162, one base deleted (T; older notation c.5162delT).
Protein change: p.Leu1721fs; shifts the reading frame from leucine 1721.
Molecular consequence: frameshift variant.
Genome position (GRCh38, 1-based): chr17:10,524,479, A deleted on the plus strand (T on the coding strand, the reverse complement: MYH2 is on the minus strand). VCF-style (leftmost placement, unchanged base first): chr17-10524478-TA-T. GRCh37 (hg19) VCF-style: chr17-10427795-TA-T.
Other names: c.5162del, p.Leu1721fs (NM_001100112.2); short protein forms L1721fs.
Identifiers: ClinVar variation 4768881 (VCV004768881.1).